The following is an entry in ClinVar:

ClinVar aggregate classification (germline): Uncertain significance (1 of 4 stars; one submission).

Conditions:
Spastic paraplegia. Identifiers: MedGen C0037772, HP:0001258.

Submission:

Labcorp Genetics (formerly Invitae), Labcorp
Classification: Uncertain significance for Spastic paraplegia. Last evaluated: 2024-01-14. Review status: criteria provided, single submitter. Criteria: Invitae Variant Classification Sherloc (09022015). Collection method: clinical testing. Allele origin: germline.
Comment: This sequence change replaces glutamine, which is neutral and polar, with lysine, which is basic and polar, at codon 858 of the L1CAM protein (p.Gln858Lys). This variant is not present in population databases (gnomAD no frequency). This variant has not been reported in the literature in individuals affected with L1CAM-related conditions. Advanced modeling of protein sequence and biophysical properties (such as structural, functional, and spatial information, amino acid conservation, physicochemical variation, residue mobility, and thermodynamic stability) performed at Invitae indicates that this missense variant is not expected to disrupt L1CAM protein function with a negative predictive value of 95%. In summary, the available evidence is currently insufficient to determine the role of this variant in disease. Therefore, it has been classified as a Variant of Uncertain Significance.

NM_001278116.2(L1CAM):c.2572C>A (p.Gln858Lys)

Gene: L1CAM (L1 cell adhesion molecule; minus strand). Cytogenetic location: Xq28.
Variant type: single nucleotide variant.
Coding change: c.2572C>A on transcript NM_001278116.2 (MANE Select); coding-DNA position 2572, C replaced by A.
Protein change: p.Gln858Lys; replaces glutamine 858 with lysine.
Molecular consequence: missense variant.
Genome position (GRCh38, 1-based): chrX:153,865,476, G>T on the plus strand (C>A on the coding strand, the complement: L1CAM is on the minus strand). VCF-style: chrX-153865476-G-T. GRCh37 (hg19) VCF-style: chrX-153130931-G-T.
Other names: c.2572C>A, p.Gln858Lys (NM_000425.5, NM_024003.3); c.2557C>A, p.Gln853Lys (NM_001143963.2); short protein forms Q858K, Q853K.
Identifiers: ClinVar variation 2959341 (VCV002959341.3), dbSNP rs2148494149, ClinGen allele CA415116662.
Genomic context (GRCh38, chrX:153,865,476, plus strand): 5'-TGGTGTTGGCGGGCACCACCACATGGTCTTTGTGGATATGTCTCTTGCTGTGCTTCCTCT[G>T]ACTGCCCTCCCTCCAGTACGTCACCTGCACAAGCGAACAGGAGACCTCGCAGGGGCAGAA-3'
Protein context (NP_001265045.1, residues 848-868): YNVTYWREGS[Gln858Lys]RKHSKRHIHK